The following is an entry in ClinVar:

ClinVar aggregate classification (germline): Uncertain significance (1 of 4 stars; one submission).

Conditions:
Hereditary cancer-predisposing syndrome. Also called: Neoplastic Syndromes, Hereditary; Tumor predisposition; Hereditary Cancer Syndrome; Hereditary neoplastic syndrome. Identifiers: Orphanet 140162, MedGen C0027672, MeSH D009386, MONDO:0015356.

Submission:

Ambry Genetics
Classification: Uncertain significance for Hereditary cancer-predisposing syndrome. Last evaluated: 2026-03-27. Review status: criteria provided, single submitter. Criteria: Ambry Variant Classification Scheme 2023. Collection method: clinical testing. Allele origin: germline.
Comment: The p.F672I variant (also known as c.2014T>A), located in coding exon 13 of the BRIP1 gene, results from a T to A substitution at nucleotide position 2014. The phenylalanine at codon 672 is replaced by isoleucine, an amino acid with highly similar properties. This amino acid position is conserved. In addition, the in silico prediction for this alteration is inconclusive. Based on the available evidence, the clinical significance of this variant remains unclear.

NM_032043.3(BRIP1):c.2014T>A (p.Phe672Ile)

Gene: BRIP1 (BRCA1 interacting DNA helicase 1; minus strand). Cytogenetic location: 17q23.2.
Variant type: single nucleotide variant.
Coding change: c.2014T>A on transcript NM_032043.3 (MANE Select); coding-DNA position 2014, T replaced by A.
Protein change: p.Phe672Ile; replaces phenylalanine 672 with isoleucine.
Molecular consequence: missense variant.
Genome position (GRCh38, 1-based): chr17:61,776,484, A>T on the plus strand (T>A on the coding strand, the complement: BRIP1 is on the minus strand). VCF-style: chr17-61776484-A-T. GRCh37 (hg19) VCF-style: chr17-59853845-A-T.
Other names: short protein forms F672I.
Identifiers: ClinVar variation 4867907 (VCV004867907.1).